The following is an entry in ClinVar:

NM_000020.3(ACVRL1):c.626-3C>G

Gene: ACVRL1 (activin A receptor like type 1; plus strand). Cytogenetic location: 12q13.13.
Variant type: single nucleotide variant.
Coding change: c.626-3C>G on transcript NM_000020.3 (MANE Select); 3 bases into the intron before coding-DNA position 626, C replaced by G.
Molecular consequence: intron variant.
Genome position (GRCh38, 1-based): chr12:51,914,436, C>G. VCF-style: chr12-51914436-C-G. GRCh37 (hg19) VCF-style: chr12-52308220-C-G.
Other names: c.626-3C>G (NM_001077401.2).
Identifiers: ClinVar variation 439379 (VCV000439379.13), dbSNP rs1555152899, ClinGen allele CA645509324.

ClinVar aggregate classification (germline): Pathogenic/Likely pathogenic. Review status: criteria provided, multiple submitters, no conflicts (2 of 4 stars). 5 submissions from 5 submitters: Pathogenic (4); Likely pathogenic (1). Last evaluated 2025-07-22.

Conditions:
Cardiovascular phenotype. Identifiers: MedGen CN230736.
ACVRL1-related disorder. Also called: ACVRL1-related condition; ACVRL1-related disorders.
Telangiectasia, hereditary hemorrhagic, type 2 (HHT2). Also called: Telangiectasia, hereditary hemorrhagic, type II; ACVRL1-Related Hereditary Hemorrhagic Telangiectasia. Identifiers: Orphanet 774, MedGen C1838163, MONDO:0010880, OMIM 600376. Disease mechanism: loss of function.

Submissions (5):

PreventionGenetics, part of Exact Sciences
Classification: Pathogenic for ACVRL1-related condition. Last evaluated: 2025-07-22. Review status: criteria provided, single submitter. Criteria: ACMG Guidelines, 2015. Collection method: clinical testing. Allele origin: germline.
Comment: The ACVRL1 c.626-3C>G variant is predicted to interfere with splicing. This variant has been reported in multiple individuals with hereditary hemorrhagic telangiectasia (HHT) (Lenato et al. 2006. PubMed ID: 16429404; Supplementary Table 1, McDonald et al. 2010. PubMed ID: 21158752). Functional studies of this variant demonstrated aberrant splicing compared to a normal control (Lenato et al. 2006. PubMed ID: 16429404). This variant has not been reported in a large population database (gnomAD), indicating this variant is rare. This variant is interpreted as pathogenic/likely pathogenic in ClinVar (Variation ID: 439379). This variant is interpreted as pathogenic.

Labcorp Genetics (formerly Invitae), Labcorp
Classification: Pathogenic for Telangiectasia, hereditary hemorrhagic, type 2. Last evaluated: 2024-09-09. Review status: criteria provided, single submitter. Criteria: Invitae Variant Classification Sherloc (09022015). Collection method: clinical testing. Allele origin: germline.
Comment: This sequence change falls in intron 5 of the ACVRL1 gene. It does not directly change the encoded amino acid sequence of the ACVRL1 protein. It affects a nucleotide within the consensus splice site. This variant is not present in population databases (gnomAD no frequency). This variant has been observed in individual(s) with hereditary hemorrhagic telangiectasia (PMID: 4603890, 16429404, 21158752; internal data). ClinVar contains an entry for this variant (Variation ID: 439379). Variants that disrupt the consensus splice site are a relatively common cause of aberrant splicing (PMID: 17576681, 9536098). Studies have shown that this variant is associated with inconclusive levels of altered splicing (PMID: 16429404). For these reasons, this variant has been classified as Pathogenic.

Mayo Clinic Laboratories, Mayo Clinic
Classification: Likely pathogenic. Last evaluated: 2022-05-10. Review status: criteria provided, single submitter. Criteria: ACMG Guidelines, 2015. Collection method: clinical testing. Allele origin: germline. Observed: 1 variant allele.
Comment: PP1, PP3, PM2_supporting, PM4, PS3_moderate, PS4_moderate

Ambry Genetics
Classification: Pathogenic for Cardiovascular phenotype. Last evaluated: 2021-03-11. Review status: criteria provided, single submitter. Criteria: Ambry Variant Classification Scheme 2023. Collection method: clinical testing. Allele origin: germline.
Comment: The c.626-3C>G intronic pathogenic mutation results from a C to G substitution 3 nucleotides upstream from coding exon 5 in the ACVRL1 gene. This mutation was first described in an individual with a definite clinical diagnosis of hereditary hemorrhagic telangiectasia (HHT). In the same study, this mutation segregated with disease Italian HHT family. In addition, RT-PCR of RNA, isolated from lymphoblastoid cells of two members from this family, revealed that this mutation leads to abberant splicing, resulting in a subset of transcripts with exon skipping (Lenato GM et al. Hum. Mutat., 2006 Feb;27:213-4). This mutation has been reported in additional HHT patients and families (McDonald J et al. Clin. Genet., 2011 Apr;79:335-44; T&oslash;rring PM et al. Microvasc. Res., 2015 May;99:118-26). Based on the supporting evidence, this alteration is interpreted as a disease-causing mutation.

ARUP Laboratories, Molecular Genetics and Genomics, ARUP Laboratories
Classification: Pathogenic. Last evaluated: 2016-10-01. Review status: criteria provided, single submitter. Criteria: ARUP Molecular Germline Variant Investigation Process. Collection method: clinical testing. Allele origin: germline.

Literature cited by the submitters: PubMed 4603890 (cited by Labcorp Genetics (formerly Invitae), Labcorp); PubMed 16429404 (cited by Labcorp Genetics (formerly Invitae), Labcorp and Ambry Genetics); PubMed 21158752 (cited by Labcorp Genetics (formerly Invitae), Labcorp and Ambry Genetics); PubMed 17576681 (cited by Labcorp Genetics (formerly Invitae), Labcorp); PubMed 9536098 (cited by Labcorp Genetics (formerly Invitae), Labcorp); PubMed 16706966 (cited by Ambry Genetics); PubMed 25892364 (cited by Ambry Genetics).